The following is an entry in ClinVar:

NM_015909.4(NBAS):c.6980C>T (p.Ala2327Val)

Gene: NBAS (NBAS subunit of NRZ tethering complex; minus strand). Cytogenetic location: 2p24.3.
Variant type: single nucleotide variant.
Coding change: c.6980C>T on transcript NM_015909.4 (MANE Select); coding-DNA position 6980, C replaced by T.
Protein change: p.Ala2327Val; replaces alanine 2327 with valine.
Molecular consequence: missense variant. On other transcripts: non-coding transcript variant (1).
Genome position (GRCh38, 1-based): chr2:15,167,184, G>A on the plus strand (C>T on the coding strand, the complement: NBAS is on the minus strand). VCF-style: chr2-15167184-G-A. GRCh37 (hg19) VCF-style: chr2-15307308-G-A.
Other names: short protein forms A2327V.
Identifiers: ClinVar variation 3720235 (VCV003720235.2).

ClinVar aggregate classification (germline): Uncertain significance (1 of 4 stars; one submission).

Submission:

Labcorp Genetics (formerly Invitae), Labcorp
Classification: Uncertain significance. Last evaluated: 2024-09-23. Review status: criteria provided, single submitter. Criteria: Invitae Variant Classification Sherloc (09022015). Collection method: clinical testing. Allele origin: germline.
Comment: This sequence change replaces alanine, which is neutral and non-polar, with valine, which is neutral and non-polar, at codon 2327 of the NBAS protein (p.Ala2327Val). This variant is not present in population databases (gnomAD no frequency). This variant has not been reported in the literature in individuals affected with NBAS-related conditions. Invitae Evidence Modeling of protein sequence and biophysical properties (such as structural, functional, and spatial information, amino acid conservation, physicochemical variation, residue mobility, and thermodynamic stability) indicates that this missense variant is not expected to disrupt NBAS protein function with a negative predictive value of 95%. In summary, the available evidence is currently insufficient to determine the role of this variant in disease. Therefore, it has been classified as a Variant of Uncertain Significance.